The following is an entry in ClinVar:

ClinVar aggregate classification (germline): Uncertain significance (1 of 4 stars; one submission).

Conditions:
Fanconi anemia (FA). Also called: Fanconi's anemia. Identifiers: Orphanet 84, MedGen C0015625, MeSH D005199, MONDO:0019391.

gnomAD v4.1: 3 of 1,613,926 alleles (0.00019%); highest among the groups gnomAD compares: Non-Finnish European, 0.00025%; no homozygotes.

Submission:

Labcorp Genetics (formerly Invitae), Labcorp
Classification: Uncertain significance for Fanconi anemia. Last evaluated: 2024-04-02. Review status: criteria provided, single submitter. Criteria: Invitae Variant Classification Sherloc (09022015). Collection method: clinical testing. Allele origin: germline.
Comment: This sequence change replaces serine, which is neutral and polar, with isoleucine, which is neutral and non-polar, at codon 201 of the FANCD2 protein (p.Ser201Ile). This variant is not present in population databases (gnomAD no frequency). This variant has not been reported in the literature in individuals affected with FANCD2-related conditions. Advanced modeling of protein sequence and biophysical properties (such as structural, functional, and spatial information, amino acid conservation, physicochemical variation, residue mobility, and thermodynamic stability) performed at Invitae indicates that this missense variant is expected to disrupt FANCD2 protein function with a positive predictive value of 80%. In summary, the available evidence is currently insufficient to determine the role of this variant in disease. Therefore, it has been classified as a Variant of Uncertain Significance.

NM_001018115.3(FANCD2):c.602G>T (p.Ser201Ile)

Genes: FANCD2 (FA complementation group D2; plus strand), LOC107303338 (3p25 FANCD2 Alu-mediated recombination region; plus strand). Cytogenetic location: 3p25.3.
Variant type: single nucleotide variant.
Coding change: c.602G>T on transcript NM_001018115.3 (MANE Select); coding-DNA position 602, G replaced by T.
Protein change: p.Ser201Ile; replaces serine 201 with isoleucine.
Molecular consequence: missense variant.
Genome position (GRCh38, 1-based): chr3:10,039,752, G>T. VCF-style: chr3-10039752-G-T. GRCh37 (hg19) VCF-style: chr3-10081436-G-T.
Other names: c.602G>T, p.Ser201Ile (NM_001319984.2, NM_001374253.1, NM_001374254.1 and 2 more transcripts); short protein forms S201I.
Identifiers: ClinVar variation 3711280 (VCV003711280.2).